The following is an entry in ClinVar:

NM_003242.6(TGFBR2):c.511A>C (p.Ser171Arg)

Gene: TGFBR2 (transforming growth factor beta receptor 2; plus strand). Cytogenetic location: 3p24.1.
Variant type: single nucleotide variant.
Coding change: c.511A>C on transcript NM_003242.6 (MANE Select); coding-DNA position 511, A replaced by C.
Protein change: p.Ser171Arg; replaces serine 171 with arginine.
Molecular consequence: missense variant. On other transcripts: intron variant (1).
Genome position (GRCh38, 1-based): chr3:30,671,694, A>C. VCF-style: chr3-30671694-A-C. GRCh37 (hg19) VCF-style: chr3-30713186-A-C.
Other names: c.586A>C, p.Ser196Arg (NM_001024847.3); c.694A>C, p.Ser232Arg (NM_001407126.1); c.619A>C, p.Ser207Arg (NM_001407127.1); c.538A>C, p.Ser180Arg (NM_001407128.1); c.514A>C, p.Ser172Arg (NM_001407129.1); c.511A>C, p.Ser171Arg (NM_001407130.1); c.406A>C, p.Ser136Arg (NM_001407132.1, NM_001407133.1, NM_001407134.1 and 2 more transcripts); c.226A>C, p.Ser76Arg (NM_001407137.1); and 2 more; short protein forms S136R, S172R, S180R, S51R, S76R, S171R, S196R, S207R.
Identifiers: ClinVar variation 5009515 (VCV005009515.1).

ClinVar aggregate classification (germline): Uncertain significance (1 of 4 stars; one submission).

Submission:

GeneDx
Classification: Uncertain significance. Last evaluated: 2026-03-19. Review status: criteria provided, single submitter. Criteria: GeneDx Variant Classification Process June 2021. Collection method: clinical testing. Allele origin: germline.
Comment: Not observed at significant frequency in large population cohorts (gnomAD); In silico analysis supports that this missense variant has a deleterious effect on protein structure/function; Has not been previously published as pathogenic or benign to our knowledge